The following is an entry in ClinVar:

NM_001377.3(DYNC2H1):c.7562A>G (p.Asp2521Gly)

Gene: DYNC2H1 (dynein cytoplasmic 2 heavy chain 1; plus strand). Cytogenetic location: 11q22.3.
Variant type: single nucleotide variant.
Coding change: c.7562A>G on transcript NM_001377.3 (MANE Select); coding-DNA position 7562, A replaced by G.
Protein change: p.Asp2521Gly; replaces aspartic acid 2521 with glycine.
Molecular consequence: missense variant.
Genome position (GRCh38, 1-based): chr11:103,192,118, A>G. VCF-style: chr11-103192118-A-G. GRCh37 (hg19) VCF-style: chr11-103062847-A-G.
Other names: c.7562A>G, p.Asp2521Gly (NM_001080463.2); short protein forms D2521G.
Identifiers: ClinVar variation 4800502 (VCV004800502.1).
Genomic context (GRCh38, chr11:103,192,118, plus strand): 5'-TCATTATATTACAATTAAATAAAATTTTGCCTTTTCTAGGATCCTCAAACCATCCACTAG[A>G]TTATGTGTTAGAAATTGTAGCATATGAGGCACGGCGCTTATTTCGTGACAAAATTGTTGG-3'
Protein context (NP_001368.2, residues 2511-2531): LEGGSSNHPL[Asp2521Gly]YVLEIVAYEA

ClinVar aggregate classification (germline): Uncertain significance (1 of 4 stars; one submission).

Conditions:
Jeune thoracic dystrophy. Also called: Short-rib thoracic dysplasia; Jeune syndrome; Infantile thoracic dystrophy; Thoracic pelvic phalangeal dystrophy; Jeune's syndrome; Chondroectodermal dysplasia-like syndrome. Identifiers: Orphanet 474, MedGen C0265275, MONDO:0018770.

Submission:

Labcorp Genetics (formerly Invitae), Labcorp
Classification: Uncertain significance for Jeune thoracic dystrophy. Last evaluated: 2025-10-09. Review status: criteria provided, single submitter. Criteria: Invitae Variant Classification Sherloc (09022015). Collection method: clinical testing. Allele origin: germline.
Comment: This sequence change replaces aspartic acid, which is acidic and polar, with glycine, which is neutral and non-polar, at codon 2521 of the DYNC2H1 protein (p.Asp2521Gly). This variant is not present in population databases (gnomAD no frequency). This variant has not been reported in the literature in individuals affected with DYNC2H1-related conditions. Invitae Evidence Modeling of protein sequence and biophysical properties (such as structural, functional, and spatial information, amino acid conservation, physicochemical variation, residue mobility, and thermodynamic stability) has been performed for this missense variant. However, the output from this modeling did not meet the statistical confidence thresholds required to predict the impact of this variant on DYNC2H1 protein function. In summary, the available evidence is currently insufficient to determine the role of this variant in disease. Therefore, it has been classified as a Variant of Uncertain Significance.